The following is an entry in ClinVar:

ClinVar aggregate classification (germline): Likely pathogenic (1 of 4 stars; one submission).

Conditions:
Charlevoix-Saguenay spastic ataxia (SACS). Also called: AUTOSOMAL RECESSIVE SPASTIC ATAXIA OF CHARLEVOIX-SAGUENAY; Spastic ataxia of Charlevoix-Saguenay; SPASTIC ATAXIA 6, AUTOSOMAL RECESSIVE. Identifiers: Orphanet 98, MedGen C1849140, MONDO:0010041, OMIM 270550.

Submission:

Myriad Genetics, Inc.
Classification: Likely pathogenic for Charlevoix-Saguenay spastic ataxia. Last evaluated: 2022-02-04. Review status: criteria provided, single submitter. Criteria: Myriad Women's Health Autosomal Recessive and X-Linked Classification Criteria (2021). Collection method: clinical testing. Allele origin: unknown.
Comment: NM_014363.4(SACS):c.1716_1717delGG(E573Afs*8) is expected to be pathogenic in the context of autosomal recessive spastic ataxia of Charlevoix-Saguenay. This variant is predicted to lead to an abnormal or absent protein product due to the creation of a premature termination codon in SACS, a gene where loss-of-function variants are known to be pathogenic. Please note: this variant was assessed in the context of healthy population screening.

NM_014363.6(SACS):c.1716_1717del (p.Glu573fs)

Gene: SACS (sacsin molecular chaperone; minus strand). Cytogenetic location: 13q12.12.
Variant type: Deletion.
Coding change: c.1716_1717del on transcript NM_014363.6 (MANE Select); coding-DNA positions 1716 to 1717, 2 bases deleted (GG; older notation c.1716_1717delGG).
Protein change: p.Glu573fs; shifts the reading frame from glutamic acid 573.
Molecular consequence: frameshift variant.
Genome position (GRCh38, 1-based): chr13:23,354,895-23,354,896, CC deleted on the plus strand (GG on the coding strand, the reverse complement: SACS is on the minus strand). VCF-style (leftmost placement, unchanged base first): chr13-23354894-TCC-T. GRCh37 (hg19) VCF-style: chr13-23929033-TCC-T.
Other names: c.1275_1276del, p.Glu426fs (NM_001278055.2); short protein forms E426fs, E573fs.
Identifiers: ClinVar variation 1724284 (VCV001724284.2), dbSNP rs2542393839, ClinGen allele CA2580086856.